The following is an entry in ClinVar:

NM_031293.3(PMFBP1):c.361C>T (p.Gln121Ter)

Gene: PMFBP1 (polyamine modulated factor 1 binding protein 1; minus strand). Cytogenetic location: 16q22.2.
Variant type: single nucleotide variant.
Coding change: c.361C>T on transcript NM_031293.3 (MANE Select); coding-DNA position 361, C replaced by T.
Protein change: p.Gln121Ter; replaces glutamine 121 with a stop codon.
Molecular consequence: nonsense. On other transcripts: 5 prime UTR variant (1).
Genome position (GRCh38, 1-based): chr16:72,154,264, G>A on the plus strand (C>T on the coding strand, the complement: PMFBP1 is on the minus strand). VCF-style: chr16-72154264-G-A. GRCh37 (hg19) VCF-style: chr16-72188163-G-A.
Other names: c.-75C>T (NM_001160213.2); short protein forms Q121*.
Identifiers: ClinVar variation 3239638 (VCV003239638.2).

ClinVar aggregate classification (germline): Pathogenic (1 of 4 stars; one submission).

Conditions:
Oligospermia. Identifiers: MedGen C0028960, MeSH D009845, MONDO:0001913.
Abnormal sperm morphology. Also called: Teratozoospermia. Identifiers: MedGen C0403824, HP:0012864.

gnomAD v4.1: 2 of 1,614,004 alleles (0.00012%); highest among the groups gnomAD compares: East Asian, 0.0022%; no homozygotes.

Submission:

Huzhibin Lab, Nanjing Medical University
Classification: Pathogenic for Oligozoospermia; Abnormal sperm morphology. Review status: criteria provided, single submitter. Criteria: ACMG Guidelines, 2015. Collection method: research. Allele origin: germline. Inheritance: Autosomal recessive inheritance. Affected: yes. Observed: 1 variant allele, 1 homozygote.
Comment: Criteria:PVS1,PS4 This gene is a known causative gene for teratozoospermia, and male knockout mice of this gene have been shown to have a teratospermic phenotype and be infertile in males(PVS1). Here, we find a rare homozygous variant in this gene that was not found in the control population(PS4).

Literature cited by the submitters: PubMed 30032984; PubMed 30298696.